The following is an entry in ClinVar:

NM_000263.4(NAGLU):c.1305C>G (p.Asn435Lys)

Gene: NAGLU (N-acetyl-alpha-glucosaminidase; plus strand). Cytogenetic location: 17q21.2.
Variant type: single nucleotide variant.
Coding change: c.1305C>G on transcript NM_000263.4 (MANE Select); coding-DNA position 1305, C replaced by G.
Protein change: p.Asn435Lys; replaces asparagine 435 with lysine.
Molecular consequence: missense variant.
Genome position (GRCh38, 1-based): chr17:42,543,311, C>G. VCF-style: chr17-42543311-C-G. GRCh37 (hg19) VCF-style: chr17-40695329-C-G.
Other names: short protein forms N435K.
Identifiers: ClinVar variation 2183618 (VCV002183618.1), dbSNP rs1049139446, ClinGen allele CA290780314.
Genomic context (GRCh38, chr17:42,543,311, plus strand): 5'-TCTTTTTGGAGCCCTAGAGGCTGTGAACGGAGGCCCAGAAGCTGCCCGCCTCTTCCCCAA[C>G]TCCACCATGGTAGGCACGGGCATGGCCCCCGAGGGCATCAGCCAGAACGAAGTGGTCTAT-3'
Protein context (NP_000254.2, residues 425-445): GGPEAARLFP[Asn435Lys]STMVGTGMAP

ClinVar aggregate classification (germline): Uncertain significance (1 of 4 stars; one submission).

Conditions:
Charcot-Marie-Tooth disease axonal type 2V. Also called: CHARCOT-MARIE-TOOTH NEUROPATHY, TYPE 2V; CHARCOT-MARIE-TOOTH DISEASE, AXONAL, AUTOSOMAL DOMINANT, TYPE 2V. Identifiers: Orphanet 447964, MedGen C5569050, MONDO:0014665, OMIM 616491.
Mucopolysaccharidosis, MPS-III-B (MPS3B). Also called: N-ACETYL-ALPHA-D-GLUCOSAMINIDASE DEFICIENCY; NAGLU DEFICIENCY; SANFILIPPO SYNDROME B; MPS III B; MUCOPOLYSACCHARIDOSIS, TYPE IIIB; MPS IIIB (Sanfilippo Syndrome Type B). Identifiers: Orphanet 79270, MedGen C0086648, MONDO:0009656, OMIM 252920.

Allele frequency attached by ClinVar (database versions not stated): TOPMed 0.00001; gnomAD 0.00001.
gnomAD v4.1: 2 of 1,613,640 alleles (0.00012%); highest among the groups gnomAD compares: Non-Finnish European, 0.00017%; no homozygotes.

Submission:

Labcorp Genetics (formerly Invitae), Labcorp
Classification: Uncertain significance for Charcot-Marie-Tooth disease axonal type 2V; Mucopolysaccharidosis, MPS-III-B. Last evaluated: 2022-07-25. Review status: criteria provided, single submitter. Criteria: Invitae Variant Classification Sherloc (09022015). Collection method: clinical testing. Allele origin: germline.
Comment: This sequence change replaces asparagine, which is neutral and polar, with lysine, which is basic and polar, at codon 435 of the NAGLU protein (p.Asn435Lys). This variant is present in population databases (no rsID available, gnomAD 0.007%). This variant has not been reported in the literature in individuals affected with NAGLU-related conditions. Advanced modeling of protein sequence and biophysical properties (such as structural, functional, and spatial information, amino acid conservation, physicochemical variation, residue mobility, and thermodynamic stability) performed at Invitae indicates that this missense variant is expected to disrupt NAGLU protein function. Algorithms developed to predict the effect of sequence changes on RNA splicing suggest that this variant may create or strengthen a splice site. In summary, the available evidence is currently insufficient to determine the role of this variant in disease. Therefore, it has been classified as a Variant of Uncertain Significance.